The following is an entry in ClinVar:

NM_002661.5(PLCG2):c.1621A>G (p.Thr541Ala)

Gene: PLCG2 (phospholipase C gamma 2; plus strand). Cytogenetic location: 16q23.3.
Variant type: single nucleotide variant.
Coding change: c.1621A>G on transcript NM_002661.5 (MANE Select); coding-DNA position 1621, A replaced by G.
Protein change: p.Thr541Ala; replaces threonine 541 with alanine.
Molecular consequence: missense variant.
Genome position (GRCh38, 1-based): chr16:81,908,479, A>G. VCF-style: chr16-81908479-A-G. GRCh37 (hg19) VCF-style: chr16-81942084-A-G.
Other names: c.1621A>G, p.Thr541Ala (NM_001425749.1, NM_001425750.1, NM_001425751.1); short protein forms T541A.
Identifiers: ClinVar variation 2816131 (VCV002816131.3), dbSNP rs11548657, ClinGen allele CA285151186.

ClinVar aggregate classification (germline): Uncertain significance (1 of 4 stars; one submission).

Conditions:
Familial cold autoinflammatory syndrome 3 (FCAS3). Also called: FAMILIAL ATYPICAL COLD URTICARIA; ANTIBODY DEFICIENCY AND IMMUNE DYSREGULATION, PLCG2-ASSOCIATED. Identifiers: Orphanet 300359, MedGen C3280914, MONDO:0013766, OMIM 614468.

Submission:

Labcorp Genetics (formerly Invitae), Labcorp
Classification: Uncertain significance for Familial cold autoinflammatory syndrome 3. Last evaluated: 2023-01-14. Review status: criteria provided, single submitter. Criteria: Invitae Variant Classification Sherloc (09022015). Collection method: clinical testing. Allele origin: germline.
Comment: In summary, the available evidence is currently insufficient to determine the role of this variant in disease. Therefore, it has been classified as a Variant of Uncertain Significance. Algorithms developed to predict the effect of missense changes on protein structure and function (SIFT, PolyPhen-2, Align-GVGD) all suggest that this variant is likely to be tolerated. This variant has not been reported in the literature in individuals affected with PLCG2-related conditions. This variant is not present in population databases (gnomAD no frequency). This sequence change replaces threonine, which is neutral and polar, with alanine, which is neutral and non-polar, at codon 541 of the PLCG2 protein (p.Thr541Ala).